The following is an entry in ClinVar:

ClinVar aggregate classification (germline): Uncertain significance (1 of 4 stars; one submission).

Allele frequency attached by ClinVar (database versions not stated): gnomAD exomes below 0.00001.
gnomAD v4.1: 2 of 1,614,076 alleles (0.00012%); highest among the groups gnomAD compares: Non-Finnish European, 0.00017%; no homozygotes.

Submission:

Labcorp Genetics (formerly Invitae), Labcorp
Classification: Uncertain significance. Last evaluated: 2022-11-01. Review status: criteria provided, single submitter. Criteria: Invitae Variant Classification Sherloc (09022015). Collection method: clinical testing. Allele origin: germline.
Comment: In summary, the available evidence is currently insufficient to determine the role of this variant in disease. Therefore, it has been classified as a Variant of Uncertain Significance. Advanced modeling of protein sequence and biophysical properties (such as structural, functional, and spatial information, amino acid conservation, physicochemical variation, residue mobility, and thermodynamic stability) performed at Invitae indicates that this missense variant is not expected to disrupt SCN3A protein function. This variant has not been reported in the literature in individuals affected with SCN3A-related conditions. This variant is not present in population databases (gnomAD no frequency). This sequence change replaces aspartic acid, which is acidic and polar, with glycine, which is neutral and non-polar, at codon 521 of the SCN3A protein (p.Asp521Gly).

NM_006922.4(SCN3A):c.1562A>G (p.Asp521Gly)

Gene: SCN3A (sodium voltage-gated channel alpha subunit 3; minus strand). Cytogenetic location: 2q24.3.
Variant type: single nucleotide variant.
Coding change: c.1562A>G on transcript NM_006922.4 (MANE Select); coding-DNA position 1562, A replaced by G.
Protein change: p.Asp521Gly; replaces aspartic acid 521 with glycine.
Molecular consequence: missense variant.
Genome position (GRCh38, 1-based): chr2:165,146,848, T>C on the plus strand (A>G on the coding strand, the complement: SCN3A is on the minus strand). VCF-style: chr2-165146848-T-C. GRCh37 (hg19) VCF-style: chr2-166003358-T-C.
Other names: c.1562A>G, p.Asp521Gly (NM_001081676.2, NM_001081677.2); short protein forms D521G.
Identifiers: ClinVar variation 1999546 (VCV001999546.4), dbSNP rs2105833795, ClinGen allele CA349236483.